The following is an entry in ClinVar:

ClinVar aggregate classification (germline): Pathogenic. Review status: criteria provided, multiple submitters, no conflicts (2 of 4 stars). 2 submissions from 2 submitters: Pathogenic (2). Last evaluated 2024-10-31.

Conditions:
Early-infantile DEE. Also called: Early infantile epileptic encephalopathy with suppression bursts; Ohtahara syndrome; Early infantile epileptic encephalopathy. Identifiers: Orphanet 1934, MedGen C0393706, MONDO:0800491.

Submissions (3):

GeneDx
Classification: Pathogenic. Last evaluated: 2024-10-31. Review status: criteria provided, single submitter. Criteria: GeneDx Variant Classification Process June 2021. Collection method: clinical testing. Allele origin: germline. Affected: yes.
Comment: Published functional studies demonstrate partial loss of function (PMID: 32581296); This substitution is predicted to be within the extracellular loop between the S1 and S2 transmembrane segments of the second homologous domain.; In silico analysis supports that this missense variant has a deleterious effect on protein structure/function; Not observed at significant frequency in large population cohorts (gnomAD); This variant is associated with the following publications: (PMID: 18076640, 21865128, 33841294, 35074891, 32581296, 35944423, 32090326)

Labcorp Genetics (formerly Invitae), Labcorp
Classification: Pathogenic for Early-infantile DEE. Last evaluated: 2023-02-14. Review status: criteria provided, single submitter. Criteria: Invitae Variant Classification Sherloc (09022015). Collection method: clinical testing. Allele origin: germline.
Comment: For these reasons, this variant has been classified as Pathogenic. Experimental studies have shown that this missense change affects SCN1A function (PMID: 32581296). Advanced modeling of protein sequence and biophysical properties (such as structural, functional, and spatial information, amino acid conservation, physicochemical variation, residue mobility, and thermodynamic stability) performed at Invitae indicates that this missense variant is expected to disrupt SCN1A protein function. ClinVar contains an entry for this variant (Variation ID: 372741). This missense change has been observed in individual(s) with Dravet syndrome and/or epileptic encephalopathy (PMID: 18076640, 32090326, 32581296). This variant is not present in population databases (gnomAD no frequency). This sequence change replaces glutamic acid, which is acidic and polar, with lysine, which is basic and polar, at codon 788 of the SCN1A protein (p.Glu788Lys).

Channelopathy-Associated Epilepsy Research Center
No classification provided (evidence only). Condition: Severe myoclonic epilepsy in infancy. Review status: no classification provided. Collection method: literature only. Allele origin: not applicable. Functional consequence: Severe depolarizing shift of voltage dependence of activation, Normal slope of activation, Severe hyperpolarizing shift of voltage dependence of fast inactivation, Normal slope of fast inactivation, Normal persistent current, Mild-moderate slowing of recovery from fast inactivation, Severe decrease in peak current, Overall loss-of-function effect with respect to biophysical channel activity. Not counted in ClinVar's aggregate classification.
ClinVar note: "not provided" was previously submitted as the classification for the variant. However, the classification appeared to be based only on an observation of functional data so it was converted to no classification on 2025-07-30.

Literature cited by the submitters: PubMed 32581296 (cited by Labcorp Genetics (formerly Invitae), Labcorp and Channelopathy-Associated Epilepsy Research Center); PubMed 18076640 (cited by Labcorp Genetics (formerly Invitae), Labcorp); PubMed 32090326 (cited by Labcorp Genetics (formerly Invitae), Labcorp).

NM_001165963.4(SCN1A):c.2362G>A (p.Glu788Lys)

Gene: SCN1A (sodium voltage-gated channel alpha subunit 1; minus strand). Cytogenetic location: 2q24.3.
Variant type: single nucleotide variant.
Coding change: c.2362G>A on transcript NM_001165963.4 (MANE Select); coding-DNA position 2362, G replaced by A.
Protein change: p.Glu788Lys; replaces glutamic acid 788 with lysine.
Molecular consequence: missense variant. On other transcripts: 5 prime UTR variant (1), non-coding transcript variant (1).
Genome position (GRCh38, 1-based): chr2:166,041,284, C>T on the plus strand (G>A on the coding strand, the complement: SCN1A is on the minus strand). VCF-style: chr2-166041284-C-T. GRCh37 (hg19) VCF-style: chr2-166897794-C-T.
Other names: c.2278G>A, p.Glu760Lys (NM_001165964.3, NM_001353957.2, NM_001353958.2); c.2362G>A, p.Glu788Lys (NM_001202435.3, NM_001353948.2); c.2326G>A, p.Glu776Lys (NM_001353954.2, NM_001353955.2); c.2329G>A, p.Glu777Lys (NM_001353951.2, NM_001353950.2, NM_001353952.2 and 2 more transcripts); c.2275G>A, p.Glu759Lys (NM_001353960.2); c.-97G>A (NM_001353961.2); short protein forms E777K, E788K, E759K, E776K, E760K.
Identifiers: ClinVar variation 372741 (VCV000372741.7), dbSNP rs1057517959, ClinGen allele CA16042443.